The following is an entry in ClinVar:

ClinVar aggregate classification (germline): Uncertain significance (0 of 4 stars; one submission).

Conditions:
TTN-related disorder. Also called: TTN-related disorders; TTN-related condition; TTN-related disease.

gnomAD v4.1: 1 of 1,613,478 alleles (0.000062%); highest among the groups gnomAD compares: Non-Finnish European, 0.000085%; no homozygotes.

Submission:

PreventionGenetics, part of Exact Sciences
Classification: Uncertain significance for TTN-related condition. Last evaluated: 2024-07-06. Review status: no assertion criteria provided. Collection method: clinical testing. Allele origin: germline.
Comment: The TTN c.73972A>G variant is predicted to result in the amino acid substitution p.Lys24658Glu. To our knowledge, this variant has not been reported in the literature or in a large population database, indicating this variant is rare. At this time, the clinical significance of this variant is uncertain due to the absence of conclusive functional and genetic evidence.

NM_001267550.2(TTN):c.73972A>G (p.Lys24658Glu)

Genes: TTN (titin; minus strand), TTN-AS1 (TTN antisense RNA 1; plus strand). Cytogenetic location: 2q31.2.
Variant type: single nucleotide variant.
Coding change: c.73972A>G on transcript NM_001267550.2 (MANE Select); coding-DNA position 73972, A replaced by G.
Protein change: p.Lys24658Glu; replaces lysine 24658 with glutamic acid.
Molecular consequence: missense variant.
Genome position (GRCh38, 1-based): chr2:178,572,160, T>C on the plus strand (A>G on the coding strand, the complement: TTN is on the minus strand). VCF-style: chr2-178572160-T-C. GRCh37 (hg19) VCF-style: chr2-179436887-T-C.
Other names: c.69049A>G, p.Lys23017Glu (NM_001256850.1); c.46777A>G, p.Lys15593Glu (NM_003319.4); c.66268A>G, p.Lys22090Glu (NM_133378.4); c.47152A>G, p.Lys15718Glu (NM_133432.3); c.47353A>G, p.Lys15785Glu (NM_133437.4); short protein forms K15593E, K15718E, K15785E, K22090E, K23017E, K24658E.
Identifiers: ClinVar variation 3348098 (VCV003348098.1).